The following is an entry in ClinVar:

NM_001145809.2(MYH14):c.659C>T (p.Ser220Leu)

Gene: MYH14 (myosin heavy chain 14; plus strand). Cytogenetic location: 19q13.33.
Variant type: single nucleotide variant.
Coding change: c.659C>T on transcript NM_001145809.2 (MANE Select); coding-DNA position 659, C replaced by T.
Protein change: p.Ser220Leu; replaces serine 220 with leucine.
Molecular consequence: missense variant.
Genome position (GRCh38, 1-based): chr19:50,223,315, C>T. VCF-style: chr19-50223315-C-T. GRCh37 (hg19) VCF-style: chr19-50726572-C-T.
Other names: DFNA4A; c.659C>T (NM_024729.3); c.659C>T, p.Ser220Leu (NM_001077186.2, NM_024729.4); short protein forms S220L.
Identifiers: ClinVar variation 2040889 (VCV002040889.7), dbSNP rs773685557, ClinGen allele CA9592337.

ClinVar aggregate classification (germline): Uncertain significance. Review status: criteria provided, multiple submitters, no conflicts (2 of 4 stars). 3 submissions from 3 submitters: Uncertain significance (3). Last evaluated 2024-12-26.

Conditions:
Inborn genetic diseases. Identifiers: MedGen C0950123, MeSH D030342.
Autosomal dominant nonsyndromic hearing loss 4A. Also called: Deafness, autosomal dominant 4A. Identifiers: Orphanet 90635, MedGen C1833503, MONDO:0010915, OMIM 600652.

Allele frequency attached by ClinVar (database versions not stated): gnomAD 0.00001; ExAC 0.00002; gnomAD exomes 0.00002; TOPMed 0.00002.
gnomAD v4.1: 24 of 1,589,680 alleles (0.0015%); highest among the groups gnomAD compares: Middle Eastern, 0.016%; no homozygotes.

Submissions (3):

Laboratory of Prof. Karen Avraham, Tel Aviv University
Classification: Uncertain significance for Autosomal dominant nonsyndromic hearing loss 4A. Last evaluated: 2024-12-26. Review status: criteria provided, single submitter. Criteria: ACMG Guidelines, 2015. Collection method: research. Allele origin: germline. Affected: yes. Observed: 1 variant allele.
Comment: The MYH14 c.659C>T:p.(Ser220Leu) heterozygous variant is very rare and predicted deleterious.

Ambry Genetics
Classification: Uncertain significance for Inborn genetic diseases. Last evaluated: 2023-01-26. Review status: criteria provided, single submitter. Criteria: Ambry Variant Classification Scheme 2023. Collection method: clinical testing. Allele origin: germline.

Labcorp Genetics (formerly Invitae), Labcorp
Classification: Uncertain significance. Last evaluated: 2022-11-08. Review status: criteria provided, single submitter. Criteria: Invitae Variant Classification Sherloc (09022015). Collection method: clinical testing. Allele origin: germline.
Comment: In summary, the available evidence is currently insufficient to determine the role of this variant in disease. Therefore, it has been classified as a Variant of Uncertain Significance. This variant has not been reported in the literature in individuals affected with MYH14-related conditions. The frequency data for this variant in the population databases is considered unreliable, as metrics indicate poor data quality at this position in the gnomAD database. This sequence change replaces serine, which is neutral and polar, with leucine, which is neutral and non-polar, at codon 220 of the MYH14 protein (p.Ser220Leu). Advanced modeling of protein sequence and biophysical properties (such as structural, functional, and spatial information, amino acid conservation, physicochemical variation, residue mobility, and thermodynamic stability) performed at Invitae indicates that this missense variant is expected to disrupt MYH14 protein function.